The following is an entry in ClinVar:

NM_022437.3(ABCG8):c.64G>A (p.Gly22Ser)

Gene: ABCG8 (ATP binding cassette subfamily G member 8; plus strand). Cytogenetic location: 2p21.
Variant type: single nucleotide variant.
Coding change: c.64G>A on transcript NM_022437.3 (MANE Select); coding-DNA position 64, G replaced by A.
Protein change: p.Gly22Ser; replaces glycine 22 with serine.
Molecular consequence: missense variant.
Genome position (GRCh38, 1-based): chr2:43,844,507, G>A. VCF-style: chr2-43844507-G-A. GRCh37 (hg19) VCF-style: chr2-44071646-G-A.
Other names: c.64G>A, p.Gly22Ser (NM_001357321.2); short protein forms G22S.
Identifiers: ClinVar variation 1510425 (VCV001510425.9), dbSNP rs373228989, ClinGen allele CA1636881.

ClinVar aggregate classification (germline): Uncertain significance. Review status: criteria provided, multiple submitters, no conflicts (2 of 4 stars). 4 submissions from 4 submitters: Uncertain significance (4). Last evaluated 2026-05-10.

Conditions:
Sitosterolemia 1. Identifiers: MedGen C2749759, MONDO:0020747, OMIM 210250.
ABCG8-related disorder. Also called: ABCG8-related condition.
Cardiovascular phenotype. Identifiers: MedGen CN230736.

Allele frequency attached by ClinVar (database versions not stated): gnomAD exomes below 0.00001 and 0.00001; ExAC 0.00001; gnomAD 0.00001; TOPMed 0.00001.
gnomAD v4.1: 21 of 1,613,588 alleles (0.0013%); highest among the groups gnomAD compares: East Asian, 0.0067%; no homozygotes.

Submissions (4):

PreventionGenetics, part of Exact Sciences
Classification: Uncertain significance for ABCG8-related condition. Last evaluated: 2026-05-10. Review status: criteria provided, single submitter. Criteria: ACMG Guidelines, 2015. Collection method: clinical testing. Allele origin: germline.
Comment: The ABCG8 c.64G>A variant is predicted to result in the amino acid substitution p.Gly22Ser. This variant has been observed in an individual with familial hypercholesterolemia (Reeskamp et al. 2020. PubMed ID: 32088153). This variant is reported in 0.011% of alleles in individuals of East Asian descent in gnomAD. At this time, the clinical significance of this variant is uncertain due to the absence of conclusive functional and genetic evidence.

Ambry Genetics
Classification: Uncertain significance for Cardiovascular phenotype. Last evaluated: 2024-12-31. Review status: criteria provided, single submitter. Criteria: Ambry Variant Classification Scheme 2023. Collection method: clinical testing. Allele origin: germline.

Labcorp Genetics (formerly Invitae), Labcorp
Classification: Uncertain significance. Last evaluated: 2023-10-13. Review status: criteria provided, single submitter. Criteria: Invitae Variant Classification Sherloc (09022015). Collection method: clinical testing. Allele origin: germline.
Comment: This sequence change replaces glycine, which is neutral and non-polar, with serine, which is neutral and polar, at codon 22 of the ABCG8 protein (p.Gly22Ser). This variant is present in population databases (rs373228989, gnomAD 0.02%). This missense change has been observed in individual(s) with familial hypercholesterolemia (PMID: 32088153). ClinVar contains an entry for this variant (Variation ID: 1510425). Algorithms developed to predict the effect of missense changes on protein structure and function output the following: SIFT: "Not Available"; PolyPhen-2: "Benign"; Align-GVGD: "Not Available". The serine amino acid residue is found in multiple mammalian species, which suggests that this missense change does not adversely affect protein function. In summary, the available evidence is currently insufficient to determine the role of this variant in disease. Therefore, it has been classified as a Variant of Uncertain Significance.

Revvity Omics, Revvity
Classification: Uncertain significance for Sitosterolemia 1. Last evaluated: 2023-09-12. Review status: criteria provided, single submitter. Criteria: ACMG Guidelines, 2015. Collection method: clinical testing. Allele origin: germline.

Literature cited by the submitters: PubMed 32088153 (cited by Labcorp Genetics (formerly Invitae), Labcorp).